The following is an entry in ClinVar:

NM_197968.4(ZMYM2):c.3478G>T (p.Asp1160Tyr)

Gene: ZMYM2 (zinc finger MYM-type containing 2; plus strand). Cytogenetic location: 13q12.11.
Variant type: single nucleotide variant.
Coding change: c.3478G>T on transcript NM_197968.4 (MANE Select); coding-DNA position 3478, G replaced by T.
Protein change: p.Asp1160Tyr; replaces aspartic acid 1160 with tyrosine.
Molecular consequence: missense variant. On other transcripts: non-coding transcript variant (1).
Genome position (GRCh38, 1-based): chr13:20,082,040, G>T. VCF-style: chr13-20082040-G-T. GRCh37 (hg19) VCF-style: chr13-20656180-G-T.
Other names: c.3478G>T, p.Asp1160Tyr (NM_001190964.4, NM_001190965.4, NM_001353157.2 and 4 more transcripts); c.3283G>T, p.Asp1095Tyr (NM_001353161.3); c.3217G>T, p.Asp1073Tyr (NM_001353163.2); short protein forms D1073Y, D1095Y, D1160Y.
Identifiers: ClinVar variation 3600758 (VCV003600758.1).

ClinVar aggregate classification (germline): Uncertain significance (1 of 4 stars; one submission).

Submission:

GeneDx
Classification: Uncertain significance. Last evaluated: 2024-07-24. Review status: criteria provided, single submitter. Criteria: GeneDx Variant Classification Process June 2021. Collection method: clinical testing. Allele origin: germline. Affected: yes.
Comment: Not observed at significant frequency in large population cohorts (gnomAD); In silico analysis supports that this missense variant has a deleterious effect on protein structure/function; Has not been previously published as pathogenic or benign to our knowledge